The following is an entry in ClinVar:

NM_022893.4(BCL11A):c.1069A>G (p.Thr357Ala)

Gene: BCL11A (BCL11 transcription factor A; minus strand). Cytogenetic location: 2p16.1.
Variant type: single nucleotide variant.
Coding change: c.1069A>G on transcript NM_022893.4 (MANE Select); coding-DNA position 1069, A replaced by G.
Protein change: p.Thr357Ala; replaces threonine 357 with alanine.
Molecular consequence: missense variant. On other transcripts: intron variant (9).
Genome position (GRCh38, 1-based): chr2:60,461,843, T>C on the plus strand (A>G on the coding strand, the complement: BCL11A is on the minus strand). VCF-style: chr2-60461843-T-C. GRCh37 (hg19) VCF-style: chr2-60688978-T-C.
Other names: c.967A>G, p.Thr323Ala (NM_001405712.1, NM_001405719.1, NM_001363864.1 and 2 more transcripts); c.913A>G, p.Thr305Ala (NM_001405713.1, NM_001405714.1, NM_001405715.1 and 3 more transcripts); c.811A>G, p.Thr271Ala (NM_001405717.1, NM_001405718.1, NM_001405724.1); c.736A>G, p.Thr246Ala (NM_001405720.1, NM_001405721.1); c.630+439A>G (NM_138559.2, NM_001405732.1); c.528+439A>G (NM_001405733.1); c.631-99A>G (NM_001405730.1); c.175-99A>G (NM_001405731.1); and 5 more; short protein forms T205A, T271A, T357A, T246A, T323A, T305A.
Identifiers: ClinVar variation 4201155 (VCV004201155.2).

ClinVar aggregate classification (germline): Uncertain significance. Review status: criteria provided, multiple submitters, no conflicts (2 of 4 stars). 2 submissions from 2 submitters: Uncertain significance (2). Last evaluated 2025-08-27.

Conditions:
BCL11A-related disorder. Also called: BCL11A-related condition.
Inborn genetic diseases. Identifiers: MedGen C0950123, MeSH D030342.

gnomAD v4.1: 1 of 1,613,096 alleles (0.000062%); no homozygotes.

Submissions (2):

Ambry Genetics
Classification: Uncertain significance for Inborn genetic diseases. Last evaluated: 2025-08-27. Review status: criteria provided, single submitter. Criteria: Ambry Variant Classification Scheme 2023. Collection method: clinical testing. Allele origin: germline.

PreventionGenetics, part of Exact Sciences
Classification: Uncertain significance for BCL11A-related condition. Last evaluated: 2025-06-19. Review status: criteria provided, single submitter. Criteria: ACMG Guidelines, 2015. Collection method: clinical testing. Allele origin: germline.
Comment: The BCL11A c.1069A>G variant is predicted to result in the amino acid substitution p.Thr357Ala. To our knowledge, this variant has not been reported in the literature or in a large population database (gnomAD), indicating this variant is rare. At this time, the clinical significance of this variant is uncertain due to the absence of conclusive functional and genetic evidence.